The following is an entry in ClinVar:

NM_004006.3(DMD):c.3704C>T (p.Ala1235Val)

Gene: DMD (dystrophin; minus strand). Cytogenetic location: Xp21.1.
Variant type: single nucleotide variant.
Coding change: c.3704C>T on transcript NM_004006.3 (MANE Select); coding-DNA position 3704, C replaced by T.
Protein change: p.Ala1235Val; replaces alanine 1235 with valine.
Molecular consequence: missense variant.
Genome position (GRCh38, 1-based): chrX:32,448,538, G>A on the plus strand (C>T on the coding strand, the complement: DMD is on the minus strand). VCF-style: chrX-32448538-G-A. GRCh37 (hg19) VCF-style: chrX-32466655-G-A.
Other names: c.3680C>T, p.Ala1227Val (NM_000109.4); c.3692C>T, p.Ala1231Val (NM_004009.3); c.3335C>T, p.Ala1112Val (NM_004010.3); short protein forms A1235V, A1231V, A1112V, A1227V.
Identifiers: ClinVar variation 3016437 (VCV003016437.3), dbSNP rs2524243960, ClinGen allele CA412661969.
Genomic context (GRCh38, chrX:32,448,538, plus strand): 5'-TTCAGCCTAGTGCAGAGCCACTGGTAGTTGGTGGTTAGAGTTTCAAGTTCCTTTTTTAAG[G>A]CCTCTTGTGCTACAGGTGGAGCTTGAGCTATGACACTATTTACAGACTCAGTAAGGAGTT-3'
Protein context (NP_003997.2, residues 1225-1245): IAQAPPVAQE[Ala1235Val]LKKELETLTT

ClinVar aggregate classification (germline): Uncertain significance (1 of 4 stars; one submission).

Conditions:
Duchenne muscular dystrophy (DMD). Also called: MUSCULAR DYSTROPHY, PSEUDOHYPERTROPHIC PROGRESSIVE, DUCHENNE TYPE; Duchenne Muscular Dystrophy (DMD). Identifiers: Orphanet 98896, MedGen C0013264, MONDO:0010679, OMIM 310200.

Submission:

Labcorp Genetics (formerly Invitae), Labcorp
Classification: Uncertain significance for Duchenne muscular dystrophy. Last evaluated: 2024-01-06. Review status: criteria provided, single submitter. Criteria: Invitae Variant Classification Sherloc (09022015). Collection method: clinical testing. Allele origin: germline.
Comment: This sequence change replaces alanine, which is neutral and non-polar, with valine, which is neutral and non-polar, at codon 1235 of the DMD protein (p.Ala1235Val). This variant is not present in population databases (gnomAD no frequency). This variant has not been reported in the literature in individuals affected with DMD-related conditions. Advanced modeling of protein sequence and biophysical properties (such as structural, functional, and spatial information, amino acid conservation, physicochemical variation, residue mobility, and thermodynamic stability) performed at Invitae indicates that this missense variant is not expected to disrupt DMD protein function with a negative predictive value of 95%. In summary, the available evidence is currently insufficient to determine the role of this variant in disease. Therefore, it has been classified as a Variant of Uncertain Significance.